The following is an entry in ClinVar:

ClinVar aggregate classification (germline): Uncertain significance. Review status: criteria provided, single submitter (1 of 4 stars). 2 submissions from 2 submitters: Uncertain significance (1). 1 of the submissions does not count toward it. Last evaluated 2023-11-08.

Conditions:
Inborn genetic diseases. Identifiers: MedGen C0950123, MeSH D030342.

Allele frequency attached by ClinVar (database versions not stated): gnomAD exomes below 0.00001.
gnomAD v4.1: 4 of 1,574,192 alleles (0.00025%); highest among the groups gnomAD compares: Non-Finnish European, 0.000086%; no homozygotes.

Submissions (2):

Ambry Genetics
Classification: Uncertain significance for Inborn genetic diseases. Last evaluated: 2023-11-08. Review status: criteria provided, single submitter. Criteria: Ambry Variant Classification Scheme 2023. Collection method: clinical testing. Allele origin: germline.
Comment: The p.P1859S variant (also known as c.5575C>T), located in coding exon 26 of the CHD7 gene, results from a C to T substitution at nucleotide position 5575. The proline at codon 1859 is replaced by serine, an amino acid with similar properties. This amino acid position is conserved. In addition, the in silico prediction for this alteration is inconclusive. Since supporting evidence is limited at this time, the clinical significance of this alteration remains unclear.

Department of Pathology and Laboratory Medicine, Sinai Health System
Classification: Uncertain significance. Review status: no assertion criteria provided. Collection method: clinical testing. Allele origin: unknown. Affected: yes. Study: The Canadian Open Genetics Repository (COGR). Not counted in ClinVar's aggregate classification.
Comment: The CHD7 p.Pro1859Ser variant was not identified in the literature nor was it identified in the ClinVar, Cosmic, MutDB or LOVD 3.0 databases. The variant was identified in dbSNP (ID: rs1182352756) and in control databases in 1 of 191240 chromosomes at a frequency of 0.000005 (Genome Aggregation Database Feb 27, 2017). The variant was observed in the following population: Ashkenazi Jewish in 1 of 8972 chromosomes (freq: 0.000112), but not observed in the African, Latino, East Asian, European (Finnish), European (non-Finnish), Other, and South Asian populations. The p.Pro1859 residue is conserved across mammals and other organisms, and four out of five computational analyses (PolyPhen-2, SIFT, BLOSUM, MutationTaster) suggest that the variant may impact the protein; however, this information is not predictive enough to assume pathogenicity. In summary, based on the above information the clinical significance of this variant cannot be determined with certainty at this time. This variant is classified as a variant of uncertain significance.

NM_017780.4(CHD7):c.5575C>T (p.Pro1859Ser)

Gene: CHD7 (chromodomain helicase DNA binding protein 7; plus strand). Cytogenetic location: 8q12.2.
Variant type: single nucleotide variant.
Coding change: c.5575C>T on transcript NM_017780.4 (MANE Select); coding-DNA position 5575, C replaced by T.
Protein change: p.Pro1859Ser; replaces proline 1859 with serine.
Molecular consequence: missense variant. On other transcripts: intron variant (1).
Genome position (GRCh38, 1-based): chr8:60,851,072, C>T. VCF-style: chr8-60851072-C-T. GRCh37 (hg19) VCF-style: chr8-61763631-C-T.
Other names: c.1717-11157C>T (NM_001316690.1); c.5575C>T (NM_017780.3); short protein forms P1859S.
Identifiers: ClinVar variation 1050519 (VCV001050519.2), dbSNP rs1182352756, ClinGen allele CA371322015.